The following is an entry in ClinVar:

NM_182914.3(SYNE2):c.20596C>T (p.Leu6866=)

Gene: SYNE2 (spectrin repeat containing nuclear envelope protein 2; plus strand). Cytogenetic location: 14q23.2.
Variant type: single nucleotide variant.
Coding change: c.20596C>T on transcript NM_182914.3 (MANE Select); coding-DNA position 20596, C replaced by T.
Protein change: p.Leu6866=; no amino-acid change (leucine 6866 retained).
Molecular consequence: synonymous variant.
Genome position (GRCh38, 1-based): chr14:64,225,398, C>T. VCF-style: chr14-64225398-C-T. GRCh37 (hg19) VCF-style: chr14-64692116-C-T.
Other names: c.20530C>T, p.Leu6844= (NM_015180.6); c.1162C>T, p.Leu388= (NM_182910.2); c.1543C>T, p.Leu515= (NM_182913.4).
Identifiers: ClinVar variation 436914 (VCV000436914.21), dbSNP rs141474837, ClinGen allele CA7224969.

ClinVar aggregate classification (germline): Benign/Likely benign. Review status: criteria provided, multiple submitters, no conflicts (2 of 4 stars). 7 submissions from 7 submitters: Benign (3); Likely benign (4). Last evaluated 2026-04-01.

Conditions:
Emery-Dreifuss muscular dystrophy 5, autosomal dominant (EDMD5). Also called: EMERY-DREIFUSS MUSCULAR DYSTROPHY 5. Identifiers: Orphanet 261, MedGen C2751805, MONDO:0013072, OMIM 612999.
SYNE2-related disorder. Also called: SYNE2-related condition.

Allele frequency attached by ClinVar (database versions not stated): gnomAD exomes 0.00025 and 0.00063; ExAC 0.00083; 1000 Genomes Project 0.00180; 1000 Genomes Project 30x 0.00234; gnomAD 0.00267 and 0.00289; ESP Exome Variant Server 0.00315; TOPMed 0.00317.
gnomAD v4.1: 805 of 1,613,812 alleles (0.05%); highest among the groups gnomAD compares: African/African-American, 0.96%; 3 homozygotes.

Submissions (7):

CeGaT Center for Human Genetics Tuebingen
Classification: Likely benign. Last evaluated: 2026-04-01. Review status: criteria provided, single submitter. Criteria: CeGaT Center For Human Genetics Tuebingen Variant Classification Criteria Version 2. Collection method: clinical testing. Allele origin: germline. Affected: yes. Observed: 1 variant allele.
Comment: SYNE2: BP4, BS1

Labcorp Genetics (formerly Invitae), Labcorp
Classification: Benign for Emery-Dreifuss muscular dystrophy 5, autosomal dominant. Last evaluated: 2026-01-20. Review status: criteria provided, single submitter. Criteria: Invitae Variant Classification Sherloc (09022015). Collection method: clinical testing. Allele origin: germline.

PreventionGenetics, part of Exact Sciences
Classification: Benign for SYNE2-related condition. Last evaluated: 2025-12-09. Review status: criteria provided, single submitter. Criteria: ACMG Guidelines, 2015. Collection method: clinical testing. Allele origin: germline.
Comment: This variant is classified as benign based on ACMG/AMP sequence variant interpretation guidelines (Richards et al. 2015 PMID: 25741868, with internal and published modifications).

Blueprint Genetics
Classification: Likely benign. Last evaluated: 2024-08-06. Review status: criteria provided, single submitter. Criteria: ACMG Guidelines, 2015. Collection method: clinical testing. Allele origin: germline.

Athena Diagnostics
Classification: Benign. Last evaluated: 2016-08-19. Review status: criteria provided, single submitter. Criteria: Athena Diagnostics Criteria. Collection method: clinical testing. Allele origin: germline.

Genetic Services Laboratory, University of Chicago
Classification: Likely benign. Last evaluated: 2016-04-29. Review status: criteria provided, single submitter. Criteria: ACMG Guidelines, 2015. Collection method: clinical testing. Allele origin: germline. Affected: no.

Breakthrough Genomics
Classification: Likely benign. Review status: criteria provided, single submitter. Criteria: ACMG Guidelines, 2015. Collection method: not provided. Allele origin: germline. Inheritance: Autosomal dominant inheritance. Affected: yes.